The following is an entry in ClinVar:

NM_015062.5(PPRC1):c.2985T>C (p.Ser995=)

Gene: PPRC1 (PPARG related coactivator 1; plus strand). Cytogenetic location: 10q24.32.
Variant type: single nucleotide variant.
Coding change: c.2985T>C on transcript NM_015062.5 (MANE Select); coding-DNA position 2985, T replaced by C.
Protein change: p.Ser995=; no amino-acid change (serine 995 retained).
Molecular consequence: synonymous variant.
Genome position (GRCh38, 1-based): chr10:102,141,493, T>C. VCF-style: chr10-102141493-T-C. GRCh37 (hg19) VCF-style: chr10-103901250-T-C.
Other names: c.2985T>C, p.Ser995= (NM_001288727.2); c.2625T>C, p.Ser875= (NM_001288728.2).
Identifiers: ClinVar variation 2640781 (VCV002640781.24), dbSNP rs141178444, ClinGen allele CA5661138.
Genomic context (GRCh38, chr10:102,141,493, plus strand): 5'-CACATGTACCTATGGGCCCTTGGGATGGGGCCCAGGGCCTCAACATGCTCCATTCTGGTC[T>C]ACTGTTCCCCCACCTCCTTTGCCTCCAGCCTCCATTGGGAGAGCTGTTCCCCAACCTAAA-3'
Protein context (NP_055877.3, residues 985-1005): GPGPQHAPFW[Ser995=]TVPPPPLPPA

ClinVar aggregate classification (germline): Likely benign (1 of 4 stars; one submission).

Allele frequency attached by ClinVar (database versions not stated): gnomAD exomes 0.00007; ExAC 0.00027; gnomAD 0.00083; ESP Exome Variant Server 0.00085; TOPMed 0.00096; 1000 Genomes Project 0.00100; 1000 Genomes Project 30x 0.00109.
gnomAD v4.1: 227 of 1,613,850 alleles (0.014%); highest among the groups gnomAD compares: African/African-American, 0.25%; 2 homozygotes.

Submission:

CeGaT Center for Human Genetics Tuebingen
Classification: Likely benign. Last evaluated: 2023-04-01. Review status: criteria provided, single submitter. Criteria: CeGaT Center For Human Genetics Tuebingen Variant Classification Criteria Version 2. Collection method: clinical testing. Allele origin: germline. Affected: yes. Observed: 1 variant allele.
Comment: PPRC1: BP4, BP7